The following is an entry in ClinVar:

ClinVar aggregate classification (germline): Uncertain significance (1 of 4 stars; one submission).

Conditions:
Symmetrical dyschromatosis of extremities (DSH). Also called: RETICULATE ACROPIGMENTATION OF DOHI; DYSCHROMATOSIS SYMMETRICA HEREDITARIA 1; SYMMETRIC DYSCHROMATOSIS OF THE EXTREMITIES; Dyschromatosis symmetrica hereditaria. Identifiers: Orphanet 41, MedGen C0406775, MONDO:0007483, OMIM 127400.
Aicardi-Goutieres syndrome 6 (AGS6). Identifiers: Orphanet 51, MedGen C3539013, MONDO:0014007, OMIM 615010.

Submission:

Labcorp Genetics (formerly Invitae), Labcorp
Classification: Uncertain significance for Aicardi-Goutieres syndrome 6; Symmetrical dyschromatosis of extremities. Last evaluated: 2023-11-24. Review status: criteria provided, single submitter. Criteria: Invitae Variant Classification Sherloc (09022015). Collection method: clinical testing. Allele origin: germline.
Comment: This sequence change replaces lysine, which is basic and polar, with asparagine, which is neutral and polar, at codon 678 of the ADAR protein (p.Lys678Asn). This variant is not present in population databases (gnomAD no frequency). This variant has not been reported in the literature in individuals affected with ADAR-related conditions. Advanced modeling of protein sequence and biophysical properties (such as structural, functional, and spatial information, amino acid conservation, physicochemical variation, residue mobility, and thermodynamic stability) performed at Invitae indicates that this missense variant is not expected to disrupt ADAR protein function with a negative predictive value of 80%. In summary, the available evidence is currently insufficient to determine the role of this variant in disease. Therefore, it has been classified as a Variant of Uncertain Significance.

NM_001111.5(ADAR):c.2034G>C (p.Lys678Asn)

Gene: ADAR (adenosine deaminase RNA specific; minus strand). Cytogenetic location: 1q21.3.
Variant type: single nucleotide variant.
Coding change: c.2034G>C on transcript NM_001111.5 (MANE Select); coding-DNA position 2034, G replaced by C.
Protein change: p.Lys678Asn; replaces lysine 678 with asparagine.
Molecular consequence: missense variant.
Genome position (GRCh38, 1-based): chr1:154,597,168, C>G on the plus strand (G>C on the coding strand, the complement: ADAR is on the minus strand). VCF-style: chr1-154597168-C-G. GRCh37 (hg19) VCF-style: chr1-154569644-C-G.
Other names: c.1149G>C, p.Lys383Asn (NM_001025107.3, NM_001193495.2, NM_001365046.1 and 3 more transcripts); c.2061G>C, p.Lys687Asn (NM_001365045.1); c.2034G>C, p.Lys678Asn (NM_015840.4, NM_015841.4); short protein forms K678N, K383N, K687N.
Identifiers: ClinVar variation 2954127 (VCV002954127.3), dbSNP rs2526594861, ClinGen allele CA342638172.